The following is an entry in ClinVar:

ClinVar aggregate classification (germline): Likely pathogenic (1 of 4 stars; one submission).

Conditions:
ZFHX4-related disorder. Also called: ZFHX4-related condition.

Submission:

3billion
Classification: Likely pathogenic for ZFHX4-related disorder. Last evaluated: 2025-12-20. Review status: criteria provided, single submitter. Criteria: ACMG Guidelines, 2015. Collection method: clinical testing. Allele origin: germline. Affected: yes.
Comment: The variant is not observed in the gnomAD v4.1.0 dataset. Predicted Consequence/Location: Frameshift variant Therefore, this variant is classified as VUS according to the recommendation of ACMG/AMP guideline.

NM_024721.5(ZFHX4):c.6157_6161del (p.Pro2053fs)

Gene: ZFHX4 (zinc finger homeobox 4; plus strand). Cytogenetic location: 8q21.13.
Variant type: Deletion.
Coding change: c.6157_6161del on transcript NM_024721.5 (MANE Select); coding-DNA positions 6157 to 6161, 5 bases deleted (CCTCC; older notation c.6157_6161delCCTCC).
Protein change: p.Pro2053fs; shifts the reading frame from proline 2053.
Molecular consequence: frameshift variant.
Genome position (GRCh38, 1-based): chr8:76,853,078-76,853,082, CCTCC deleted. VCF-style (leftmost placement, unchanged base first): chr8-76853077-TCCTCC-T. GRCh37 (hg19) VCF-style: chr8-77765313-TCCTCC-T.
Other names: c.6079_6083del, p.Pro2027fs (NM_001410934.1); short protein forms P2027fs, P2053fs.
Identifiers: ClinVar variation 4854269 (VCV004854269.1).